The following is an entry in ClinVar:

NM_001037.5(SCN1B):c.611C>G (p.Thr204Ser)

Gene: SCN1B (sodium voltage-gated channel beta subunit 1; plus strand). Cytogenetic location: 19q13.11.
Variant type: single nucleotide variant.
Coding change: c.611C>G on transcript NM_001037.5 (MANE Select); coding-DNA position 611, C replaced by G.
Protein change: p.Thr204Ser; replaces threonine 204 with serine.
Molecular consequence: missense variant.
Genome position (GRCh38, 1-based): chr19:35,039,655, C>G. VCF-style: chr19-35039655-C-G. GRCh37 (hg19) VCF-style: chr19-35530559-C-G.
Other names: c.512C>G, p.Thr171Ser (NM_001321605.2); short protein forms T171S, T204S.
Identifiers: ClinVar variation 3663349 (VCV003663349.2).

ClinVar aggregate classification (germline): Uncertain significance (1 of 4 stars; one submission).

Conditions:
Brugada syndrome 5 (BRGDA5). Identifiers: Orphanet 130, Orphanet 871, MedGen C2748541, MONDO:0013015, OMIM 612838.

Submission:

Labcorp Genetics (formerly Invitae), Labcorp
Classification: Uncertain significance for Brugada syndrome 5. Last evaluated: 2024-08-24. Review status: criteria provided, single submitter. Criteria: Invitae Variant Classification Sherloc (09022015). Collection method: clinical testing. Allele origin: germline.
Comment: The SCN1B gene has multiple clinically relevant transcripts. This variant occurs in alternate transcript NM_001037.5, and corresponds to NM_199037.3:c.*5557C>G in the primary transcript. This sequence change replaces threonine, which is neutral and polar, with serine, which is neutral and polar, at codon 204 of the SCN1B protein (p.Thr204Ser). This variant is not present in population databases (gnomAD no frequency). This variant has not been reported in the literature in individuals affected with SCN1B-related conditions. Experimental studies and prediction algorithms are not available or were not evaluated, and the functional significance of this variant is currently unknown. In summary, the available evidence is currently insufficient to determine the role of this variant in disease. Therefore, it has been classified as a Variant of Uncertain Significance.